The following is an entry in ClinVar:

ClinVar aggregate classification (germline): Uncertain significance. Review status: criteria provided, multiple submitters, no conflicts (2 of 4 stars). 2 submissions from 2 submitters: Uncertain significance (2). Last evaluated 2026-06-15.

Conditions:
Hereditary pancreatitis (PCTT). Also called: Hereditary chronic pancreatitis; PRSS1-Related Hereditary Pancreatitis. Identifiers: Orphanet 676, MedGen C0238339, MONDO:0008185, OMIM 167800.

Allele frequency attached by ClinVar (database versions not stated): TOPMed 0.00002; ExAC 0.00005; gnomAD 0.00001.

Submissions (2):

Ambry Genetics
Classification: Uncertain significance for Hereditary pancreatitis. Last evaluated: 2026-06-15. Review status: criteria provided, single submitter. Criteria: Ambry Variant Classification Scheme 2023. Collection method: clinical testing. Allele origin: germline.

Labcorp Genetics (formerly Invitae), Labcorp
Classification: Uncertain significance for Hereditary pancreatitis. Last evaluated: 2022-09-26. Review status: criteria provided, single submitter. Criteria: Invitae Variant Classification Sherloc (09022015). Collection method: clinical testing. Allele origin: germline.
Comment: This sequence change replaces arginine, which is basic and polar, with glutamine, which is neutral and polar, at codon 29 of the CTRC protein (p.Arg29Gln). This variant is present in population databases (rs772024986, gnomAD 0.03%). This missense change has been observed in individual(s) with pancreatitis (PMID: 23135764, 27409067). ClinVar contains an entry for this variant (Variation ID: 1397450). Advanced modeling of protein sequence and biophysical properties (such as structural, functional, and spatial information, amino acid conservation, physicochemical variation, residue mobility, and thermodynamic stability) performed at Invitae indicates that this missense variant is not expected to disrupt CTRC protein function. Experimental studies have shown that this missense change affects CTRC function (PMID: 26013824). In summary, the available evidence is currently insufficient to determine the role of this variant in disease. Therefore, it has been classified as a Variant of Uncertain Significance.

Literature cited by the submitters: PubMed 23135764 (cited by Labcorp Genetics (formerly Invitae), Labcorp); PubMed 27409067 (cited by Labcorp Genetics (formerly Invitae), Labcorp); PubMed 26013824 (cited by Labcorp Genetics (formerly Invitae), Labcorp).

NM_007272.3(CTRC):c.86G>A (p.Arg29Gln)

Gene: CTRC (chymotrypsin C; plus strand). Cytogenetic location: 1p36.21.
Variant type: single nucleotide variant.
Coding change: c.86G>A on transcript NM_007272.3 (MANE Select); coding-DNA position 86, G replaced by A.
Protein change: p.Arg29Gln; replaces arginine 29 with glutamine.
Molecular consequence: missense variant.
Genome position (GRCh38, 1-based): chr1:15,440,345, G>A. VCF-style: chr1-15440345-G-A. GRCh37 (hg19) VCF-style: chr1-15766841-G-A.
Other names: c.86G>A (NM_007272.2); short protein forms R29Q.
Identifiers: ClinVar variation 1397450 (VCV001397450.8), dbSNP rs772024986, ClinGen allele CA613214.
Genomic context (GRCh38, chr1:15,440,345, plus strand): 5'-CTCCTGTCTCCCCAGCCTCCAGCTGTGGGGTGCCCAGCTTCCCGCCCAACCTATCCGCCC[G>A]AGTGGTGGGAGGAGAGGATGCCCGGCCCCACAGCTGGCCCTGGCAGGTAAGCCTGTGTAG-3'
Protein context (NP_009203.2, residues 19-39): VPSFPPNLSA[Arg29Gln]VVGGEDARPH